The following is an entry in ClinVar:

ClinVar aggregate classification (germline): Uncertain significance (1 of 4 stars; one submission).

Conditions:
MHC class II deficiency. Also called: Bare lymphocyte syndrome 2; BLS, TYPE II. Identifiers: Orphanet 572, MedGen C5447452, MONDO:0008855.

Allele frequency attached by ClinVar (database versions not stated): gnomAD exomes below 0.00001.

Submission:

Labcorp Genetics (formerly Invitae), Labcorp
Classification: Uncertain significance for SCID due to absent class II HLA antigens. Last evaluated: 2018-08-15. Review status: criteria provided, single submitter. Criteria: Invitae Variant Classification Sherloc (09022015). Collection method: clinical testing. Allele origin: germline.
Comment: This sequence change replaces glycine with aspartic acid at codon 129 of the CIITA protein (p.Gly129Asp). The glycine residue is weakly conserved and there is a moderate physicochemical difference between glycine and aspartic acid. This variant is not present in population databases (ExAC no frequency). This variant has not been reported in the literature in individuals with CIITA-related disease. Algorithms developed to predict the effect of missense changes on protein structure and function (SIFT, PolyPhen-2, Align-GVGD) all suggest that this variant is likely to be tolerated, but these predictions have not been confirmed by published functional studies and their clinical significance is uncertain. In summary, the available evidence is currently insufficient to determine the role of this variant in disease. Therefore, it has been classified as a Variant of Uncertain Significance.

NM_000246.4(CIITA):c.386G>A (p.Gly129Asp)

Gene: CIITA (class II major histocompatibility complex transactivator; plus strand). Cytogenetic location: 16p13.13.
Variant type: single nucleotide variant.
Coding change: c.386G>A on transcript NM_000246.4 (MANE Select); coding-DNA position 386, G replaced by A.
Protein change: p.Gly129Asp; replaces glycine 129 with aspartic acid.
Molecular consequence: missense variant. On other transcripts: non-coding transcript variant (1).
Genome position (GRCh38, 1-based): chr16:10,898,952, G>A. VCF-style: chr16-10898952-G-A. GRCh37 (hg19) VCF-style: chr16-10992809-G-A.
Other names: c.389G>A, p.Gly130Asp (NM_001286402.1, NM_001379330.1, NM_001379332.1); c.386G>A, p.Gly129Asp (NM_001286403.2, NM_001379331.1, NM_001379333.1); c.317G>A, p.Gly106Asp (NM_001379334.1); short protein forms G130D, G129D, G106D.
Identifiers: ClinVar variation 663187 (VCV000663187.1), dbSNP rs1447982238, ClinGen allele CA394727577.